The following is an entry in ClinVar:

NM_001364171.2(ODAD1):c.1579C>G (p.Leu527Val)

Gene: ODAD1 (outer dynein arm docking complex subunit 1; minus strand). Cytogenetic location: 19q13.33.
Variant type: single nucleotide variant.
Coding change: c.1579C>G on transcript NM_001364171.2 (MANE Select); coding-DNA position 1579, C replaced by G.
Protein change: p.Leu527Val; replaces leucine 527 with valine.
Molecular consequence: missense variant.
Genome position (GRCh38, 1-based): chr19:48,297,592, G>C on the plus strand (C>G on the coding strand, the complement: ODAD1 is on the minus strand). VCF-style: chr19-48297592-G-C. GRCh37 (hg19) VCF-style: chr19-48800849-G-C.
Other names: c.1468C>G, p.Leu490Val (NM_144577.4); short protein forms L527V, L490V.
Identifiers: ClinVar variation 4722870 (VCV004722870.1).

ClinVar aggregate classification (germline): Uncertain significance (1 of 4 stars; one submission).

Conditions:
Primary ciliary dyskinesia. Also called: Ciliary dyskinesia. Identifiers: Orphanet 244, MedGen C0008780, MONDO:0016575, HP:0012265.

Submission:

Labcorp Genetics (formerly Invitae), Labcorp
Classification: Uncertain significance for Primary ciliary dyskinesia. Last evaluated: 2025-07-20. Review status: criteria provided, single submitter. Criteria: Invitae Variant Classification Sherloc (09022015). Collection method: clinical testing. Allele origin: germline.
Comment: This sequence change replaces leucine, which is neutral and non-polar, with valine, which is neutral and non-polar, at codon 490 of the CCDC114 protein (p.Leu490Val). This variant is not present in population databases (gnomAD no frequency). This variant has not been reported in the literature in individuals affected with CCDC114-related conditions. An algorithm developed to predict the effect of missense changes on protein structure and function (PolyPhen-2) suggests that this variant is likely to be tolerated. Algorithms developed to predict the effect of sequence changes on RNA splicing suggest that this variant may disrupt the consensus splice site. In summary, the available evidence is currently insufficient to determine the role of this variant in disease. Therefore, it has been classified as a Variant of Uncertain Significance.